The following is an entry in ClinVar:

NM_133379.5(TTN):c.10633C>T (p.Pro3545Ser)

Gene: TTN (titin; minus strand). Cytogenetic location: 2q31.2.
Variant type: single nucleotide variant.
Coding change: c.10633C>T on transcript NM_133379.5; coding-DNA position 10633, C replaced by T.
Protein change: p.Pro3545Ser; replaces proline 3545 with serine.
Molecular consequence: missense variant. On other transcripts: intron variant (6).
Genome position (GRCh38, 1-based): chr2:178,751,767, G>A on the plus strand (C>T on the coding strand, the complement: TTN is on the minus strand). VCF-style: chr2-178751767-G-A. GRCh37 (hg19) VCF-style: chr2-179616494-G-A.
Other names: c.10222+1357C>T (NM_003319.4); c.10798+1357C>T (NM_133437.4); c.10597+1357C>T (NM_133432.3); c.10360+1357C>T (NM_133378.4, NM_001256850.1); c.11311+1357C>T (NM_001267550.2); short protein forms P3545S.
Identifiers: ClinVar variation 229576 (VCV000229576.5), dbSNP rs373311410, ClinGen allele CA2003868.

ClinVar aggregate classification (germline): Uncertain significance (1 of 4 stars; one submission).

Allele frequency attached by ClinVar (database versions not stated): ExAC 0.00001; gnomAD 0.00001; gnomAD exomes 0.00001 and 0.00002; TOPMed 0.00001; ESP Exome Variant Server 0.00008.
gnomAD v4.1: 14 of 1,613,004 alleles (0.00087%); highest among the groups gnomAD compares: Non-Finnish European, 0.0012%; no homozygotes.

Submission:

Laboratory for Molecular Medicine, Mass General Brigham Personalized Medicine
Classification: Uncertain significance. Last evaluated: 2015-07-30. Review status: criteria provided, single submitter. Criteria: LMM Criteria. Collection method: clinical testing. Allele origin: germline. Observed: 1 variant allele.
Comment: The p.Pro3545Ser variant in TTN has not been previously reported in individuals with cardiomyopathy, but has been identified in 1/66572 European chromosomes by the Exome Aggregation Consortium (ExAC; dbSNP rs 373311410). Computational prediction tools and conservation analysis are limited or unavailable for this variant. In summary, the clinical significance of the p .Pro3545Ser variant is uncertain.